The following is an entry in ClinVar:

ClinVar aggregate classification (germline): Pathogenic (1 of 4 stars; one submission).

Conditions:
TP63-Related Spectrum Disorders.

Submission:

Labcorp Genetics (formerly Invitae), Labcorp
Classification: Pathogenic. Last evaluated: 2024-01-30. Review status: criteria provided, single submitter. Criteria: Invitae Variant Classification Sherloc (09022015). Collection method: clinical testing. Allele origin: germline.
Comment: This sequence change creates a premature translational stop signal (p.Gln672*) in the TP63 gene. While this is not anticipated to result in nonsense mediated decay, it is expected to disrupt the last 9 amino acid(s) of the TP63 protein. This variant is not present in population databases (gnomAD no frequency). This premature translational stop signal has been observed in individual(s) with ectrodactyly ectodermal dysplasia (Invitae). This variant disrupts a region of the TP63 protein in which other variant(s) (p.Gln673*) have been determined to be pathogenic (PMID: 11462173, 21652629). This suggests that this is a clinically significant region of the protein, and that variants that disrupt it are likely to be disease-causing. For these reasons, this variant has been classified as Pathogenic.

Literature cited by the submitters: PubMed 11462173; PubMed 21652629.

NM_003722.5(TP63):c.2014C>T (p.Gln672Ter)

Gene: TP63 (tumor protein p63; plus strand). Cytogenetic location: 3q28.
Variant type: single nucleotide variant.
Coding change: c.2014C>T on transcript NM_003722.5 (MANE Select); coding-DNA position 2014, C replaced by T.
Protein change: p.Gln672Ter; replaces glutamine 672 with a stop codon.
Molecular consequence: nonsense. On other transcripts: 3 prime UTR variant (6).
Genome position (GRCh38, 1-based): chr3:189,894,473, C>T. VCF-style: chr3-189894473-C-T. GRCh37 (hg19) VCF-style: chr3-189612262-C-T.
Other names: c.*252C>T (NM_001114978.2, NM_001114981.2); c.1732C>T, p.Gln578Ter (NM_001114980.2); c.*242C>T (NM_001329144.2, NM_001329145.2, NM_001329149.2 and 1 more transcripts); c.1477C>T, p.Gln493Ter (NM_001329146.2); c.2002C>T, p.Gln668Ter (NM_001329148.2); c.2008C>T, p.Gln670Ter (NM_001329964.2); short protein forms Q493*, Q670*, Q668*, Q578*, Q672*.
Identifiers: ClinVar variation 2710369 (VCV002710369.2), dbSNP rs2474726412, ClinGen allele CA355751680.
Genomic context (GRCh38, chr3:189,894,473, plus strand): 5'-TTCCCACCCCGAGATGAGTGGAATGACTTCAACTTTGACATGGATGCTCGCCGCAATAAG[C>T]AACAGCGCATCAAAGAGGAGGGGGAGTGAGCCTCACCATGTGAGCTCTTCCTATCCCTCT-3'